The following is an entry in ClinVar:

NM_001204.7(BMPR2):c.1583A>T (p.Glu528Val)

Gene: BMPR2 (bone morphogenetic protein receptor type 2; plus strand). Cytogenetic location: 2q33.2.
Variant type: single nucleotide variant.
Coding change: c.1583A>T on transcript NM_001204.7 (MANE Select); coding-DNA position 1583, A replaced by T.
Protein change: p.Glu528Val; replaces glutamic acid 528 with valine.
Molecular consequence: missense variant.
Genome position (GRCh38, 1-based): chr2:202,552,885, A>T. VCF-style: chr2-202552885-A-T. GRCh37 (hg19) VCF-style: chr2-203417608-A-T.
Other names: short protein forms E528V.
Identifiers: ClinVar variation 4597145 (VCV004597145.1).

ClinVar aggregate classification (germline): Uncertain significance (1 of 4 stars; one submission).

Conditions:
Inborn genetic diseases. Identifiers: MedGen C0950123, MeSH D030342.

Submission:

Ambry Genetics
Classification: Uncertain significance for Inborn genetic diseases. Last evaluated: 2025-09-27. Review status: criteria provided, single submitter. Criteria: Ambry Variant Classification Scheme 2023. Collection method: clinical testing. Allele origin: germline.
Comment: The p.E528V variant (also known as c.1583A>T), located in coding exon 11 of the BMPR2 gene, results from an A to T substitution at nucleotide position 1583. The glutamic acid at codon 528 is replaced by valine, an amino acid with dissimilar properties. This amino acid position is conserved. In addition, this alteration is predicted to be deleterious by in silico analysis. Based on the available evidence, the clinical significance of this variant remains unclear.